The following is an entry in ClinVar:

NM_000264.5(PTCH1):c.146A>C (p.Tyr49Ser)

Genes: PTCH1 (patched 1; minus strand), LOC130002133 (ATAC-STARR-seq lymphoblastoid silent region 20071; plus strand). Cytogenetic location: 9q22.32.
Variant type: single nucleotide variant.
Coding change: c.146A>C on transcript NM_000264.5 (MANE Select); coding-DNA position 146, A replaced by C.
Protein change: p.Tyr49Ser; replaces tyrosine 49 with serine.
Molecular consequence: missense variant. On other transcripts: non-coding transcript variant (1), intron variant (3).
Genome position (GRCh38, 1-based): chr9:95,508,216, T>G on the plus strand (A>C on the coding strand, the complement: PTCH1 is on the minus strand). VCF-style: chr9-95508216-T-G. GRCh37 (hg19) VCF-style: chr9-98270498-T-G.
Other names: c.146A>C, p.Tyr49Ser (NM_001354918.2); c.199-1617A>C (NM_001083603.3); c.4-1617A>C (NM_001083602.3, NM_001354919.2); short protein forms Y49S.
Identifiers: ClinVar variation 4674898 (VCV004674898.1).

ClinVar aggregate classification (germline): Uncertain significance (1 of 4 stars; one submission).

Conditions:
Hereditary cancer-predisposing syndrome. Also called: Neoplastic Syndromes, Hereditary; Tumor predisposition; Hereditary Cancer Syndrome; Hereditary neoplastic syndrome. Identifiers: Orphanet 140162, MedGen C0027672, MeSH D009386, MONDO:0015356.

Submission:

Ambry Genetics
Classification: Uncertain significance for Hereditary cancer-predisposing syndrome. Last evaluated: 2025-11-09. Review status: criteria provided, single submitter. Criteria: Ambry Variant Classification Scheme 2023. Collection method: clinical testing. Allele origin: germline.
Comment: The p.Y49S variant (also known as c.146A>C), located in coding exon 1 of the PTCH1 gene, results from an A to C substitution at nucleotide position 146. The tyrosine at codon 49 is replaced by serine, an amino acid with dissimilar properties. This amino acid position is conserved. In addition, this alteration is predicted to be deleterious by in silico analysis. Based on the available evidence, the clinical significance of this variant remains unclear.